The following is an entry in ClinVar:

NM_003803.4(MYOM1):c.3334G>A (p.Val1112Met)

Gene: MYOM1 (myomesin 1; minus strand). Cytogenetic location: 18p11.31.
Variant type: single nucleotide variant.
Coding change: c.3334G>A on transcript NM_003803.4 (MANE Select); coding-DNA position 3334, G replaced by A.
Protein change: p.Val1112Met; replaces valine 1112 with methionine.
Molecular consequence: missense variant.
Genome position (GRCh38, 1-based): chr18:3,112,382, C>T on the plus strand (G>A on the coding strand, the complement: MYOM1 is on the minus strand). VCF-style: chr18-3112382-C-T. GRCh37 (hg19) VCF-style: chr18-3112380-C-T.
Other names: c.3046G>A, p.Val1016Met (NM_019856.2); short protein forms V1016M, V1112M.
Identifiers: ClinVar variation 1730342 (VCV001730342.7), dbSNP rs200102315, ClinGen allele CA8874333.

ClinVar aggregate classification (germline): Uncertain significance. Review status: criteria provided, multiple submitters, no conflicts (2 of 4 stars). 2 submissions from 2 submitters: Uncertain significance (2). Last evaluated 2023-10-13.

Conditions:
Hypertrophic cardiomyopathy. Also called: HYPERTROPHIC MYOCARDIOPATHY. Identifiers: Orphanet 217569, MedGen C0007194, MeSH D002312, MONDO:0005045, HP:0001639.

Allele frequency attached by ClinVar (database versions not stated): ExAC 0.00001; 1000 Genomes Project 30x 0.00016; gnomAD 0.00002; 1000 Genomes Project 0.00020.
gnomAD v4.1: 25 of 1,610,344 alleles (0.0016%); highest among the groups gnomAD compares: Admixed American, 0.0033%; no homozygotes.

Submissions (2):

Labcorp Genetics (formerly Invitae), Labcorp
Classification: Uncertain significance for Hypertrophic cardiomyopathy. Last evaluated: 2023-10-13. Review status: criteria provided, single submitter. Criteria: Invitae Variant Classification Sherloc (09022015). Collection method: clinical testing. Allele origin: germline.
Comment: This sequence change replaces valine, which is neutral and non-polar, with methionine, which is neutral and non-polar, at codon 1112 of the MYOM1 protein (p.Val1112Met). This variant is present in population databases (rs200102315, gnomAD 0.0009%). This variant has not been reported in the literature in individuals affected with MYOM1-related conditions. ClinVar contains an entry for this variant (Variation ID: 1730342). Advanced modeling of protein sequence and biophysical properties (such as structural, functional, and spatial information, amino acid conservation, physicochemical variation, residue mobility, and thermodynamic stability) has been performed at Invitae for this missense variant, however the output from this modeling did not meet the statistical confidence thresholds required to predict the impact of this variant on MYOM1 protein function. In summary, the available evidence is currently insufficient to determine the role of this variant in disease. Therefore, it has been classified as a Variant of Uncertain Significance.

Ambry Genetics
Classification: Uncertain significance. Last evaluated: 2022-09-26. Review status: criteria provided, single submitter. Criteria: Ambry Variant Classification Scheme 2023. Collection method: clinical testing. Allele origin: germline.
Comment: The p.V1112M variant (also known as c.3334G>A), located in coding exon 21 of the MYOM1 gene, results from a G to A substitution at nucleotide position 3334. The valine at codon 1112 is replaced by methionine, an amino acid with highly similar properties. This amino acid position is conserved. In addition, this alteration is predicted to be tolerated by in silico analysis. Since supporting evidence is limited at this time, the clinical significance of this alteration remains unclear.